The following is an entry in ClinVar:

NM_002519.3(NPAT):c.1472C>T (p.Ser491Phe)

Gene: NPAT (nuclear protein, coactivator of histone transcription; minus strand). Cytogenetic location: 11q22.3.
Variant type: single nucleotide variant.
Coding change: c.1472C>T on transcript NM_002519.3 (MANE Select); coding-DNA position 1472, C replaced by T.
Protein change: p.Ser491Phe; replaces serine 491 with phenylalanine.
Molecular consequence: missense variant.
Genome position (GRCh38, 1-based): chr11:108,173,512, G>A on the plus strand (C>T on the coding strand, the complement: NPAT is on the minus strand). VCF-style: chr11-108173512-G-A. GRCh37 (hg19) VCF-style: chr11-108044239-G-A.
Other names: c.1472C>T, p.Ser491Phe (NM_001321307.1); short protein forms S491F.
Identifiers: ClinVar variation 2568036 (VCV002568036.2), dbSNP rs765139603, ClinGen allele CA382515110.

ClinVar aggregate classification (germline): Uncertain significance (1 of 4 stars; one submission).

Submission:

Ambry Genetics
Classification: Uncertain significance. Last evaluated: 2023-06-12. Review status: criteria provided, single submitter. Criteria: Ambry Variant Classification Scheme 2023. Collection method: clinical testing. Allele origin: germline.
Comment: The p.S491F variant (also known as c.1472C>T), located in coding exon 13 of the NPAT gene, results from a C to T substitution at nucleotide position 1472. The serine at codon 491 is replaced by phenylalanine, an amino acid with highly dissimilar properties. This amino acid position is conserved. In addition, this alteration is predicted to be tolerated by in silico analysis. Since supporting evidence is limited at this time, the clinical significance of this alteration remains unclear.